The following is an entry in ClinVar:

NM_001365999.1(SZT2):c.5758A>G (p.Ile1920Val)

Gene: SZT2 (SZT2 subunit of KICSTOR complex; plus strand). Cytogenetic location: 1p34.2.
Variant type: single nucleotide variant.
Coding change: c.5758A>G on transcript NM_001365999.1 (MANE Select); coding-DNA position 5758, A replaced by G.
Protein change: p.Ile1920Val; replaces isoleucine 1920 with valine.
Molecular consequence: missense variant.
Genome position (GRCh38, 1-based): chr1:43,433,144, A>G. VCF-style: chr1-43433144-A-G. GRCh37 (hg19) VCF-style: chr1-43898815-A-G.
Other names: c.5587A>G, p.Ile1863Val (NM_015284.4); short protein forms I1863V, I1920V.
Identifiers: ClinVar variation 1313131 (VCV001313131.2), dbSNP rs1372086795, ClinGen allele CA340026390.

ClinVar aggregate classification (germline): Uncertain significance (1 of 4 stars; one submission).

Allele frequency attached by ClinVar (database versions not stated): gnomAD exomes below 0.00001.

Submission:

GeneDx
Classification: Uncertain significance. Last evaluated: 2020-03-05. Review status: criteria provided, single submitter. Criteria: GeneDx Variant Classification Process June 2021. Collection method: clinical testing. Allele origin: germline. Affected: yes.
Comment: Not observed at a significant frequency in large population cohorts (Lek et al., 2016); In silico analysis supports that this missense variant does not alter protein structure/function; Has not been previously published as pathogenic or benign to our knowledge